The following is an entry in ClinVar:

ClinVar aggregate classification (germline): Uncertain significance (1 of 4 stars; one submission).

Submission:

Labcorp Genetics (formerly Invitae), Labcorp
Classification: Uncertain significance. Last evaluated: 2022-11-16. Review status: criteria provided, single submitter. Criteria: Invitae Variant Classification Sherloc (09022015). Collection method: clinical testing. Allele origin: germline.
Comment: In summary, the available evidence is currently insufficient to determine the role of this variant in disease. Therefore, it has been classified as a Variant of Uncertain Significance. Advanced modeling of protein sequence and biophysical properties (such as structural, functional, and spatial information, amino acid conservation, physicochemical variation, residue mobility, and thermodynamic stability) performed at Invitae indicates that this missense variant is not expected to disrupt CACNA1D protein function. This variant has not been reported in the literature in individuals affected with CACNA1D-related conditions. This variant is not present in population databases (gnomAD no frequency). This sequence change replaces threonine, which is neutral and polar, with isoleucine, which is neutral and non-polar, at codon 345 of the CACNA1D protein (p.Thr345Ile).

NM_001128840.3(CACNA1D):c.1034C>T (p.Thr345Ile)

Gene: CACNA1D (calcium voltage-gated channel subunit alpha1 D; plus strand). Cytogenetic location: 3p21.1.
Variant type: single nucleotide variant.
Coding change: c.1034C>T on transcript NM_001128840.3 (MANE Select); coding-DNA position 1034, C replaced by T.
Protein change: p.Thr345Ile; replaces threonine 345 with isoleucine.
Molecular consequence: missense variant.
Genome position (GRCh38, 1-based): chr3:53,666,453, C>T. VCF-style: chr3-53666453-C-T. GRCh37 (hg19) VCF-style: chr3-53700480-C-T.
Other names: c.1034C>T, p.Thr345Ile (NM_000720.4, NM_001128839.3); short protein forms T345I.
Identifiers: ClinVar variation 2814618 (VCV002814618.3), dbSNP rs2473029291, ClinGen allele CA353383537.